The following is an entry in ClinVar:

ClinVar aggregate classification (germline): Likely benign. Review status: criteria provided, multiple submitters, no conflicts (2 of 4 stars). 2 submissions from 2 submitters: Likely benign (2). Last evaluated 2025-10-01.

Conditions:
Sulfite oxidase deficiency due to molybdenum cofactor deficiency type A. Also called: Molybdenum cofactor deficiency, complementation group A; Molybdenum Cofactor Deficiency A. Identifiers: Orphanet 308386, Orphanet 833, MedGen C1854988, MONDO:0009643, OMIM 252150.

Allele frequency attached by ClinVar (database versions not stated): ExAC 0.00003; gnomAD exomes 0.00003 and 0.00006; TOPMed 0.00005; gnomAD 0.00008; ESP Exome Variant Server 0.00008.
gnomAD v4.1: 101 of 1,613,728 alleles (0.0063%); highest among the groups gnomAD compares: Non-Finnish European, 0.0077%; no homozygotes.

Submissions (2):

Labcorp Genetics (formerly Invitae), Labcorp
Classification: Likely benign for Sulfite oxidase deficiency due to molybdenum cofactor deficiency type A. Last evaluated: 2025-10-01. Review status: criteria provided, single submitter. Criteria: Invitae Variant Classification Sherloc (09022015). Collection method: clinical testing. Allele origin: germline.

CeGaT Center for Human Genetics Tuebingen
Classification: Likely benign. Last evaluated: 2023-08-01. Review status: criteria provided, single submitter. Criteria: CeGaT Center For Human Genetics Tuebingen Variant Classification Criteria Version 2. Collection method: clinical testing. Allele origin: germline. Affected: yes. Observed: 1 variant allele.
Comment: MOCS1: BP4

NM_001358530.2(MOCS1):c.1023C>T (p.His341=)

Gene: MOCS1 (molybdenum cofactor synthesis 1; minus strand). Cytogenetic location: 6p21.2.
Variant type: single nucleotide variant.
Coding change: c.1023C>T on transcript NM_001358530.2 (MANE Select); coding-DNA position 1023, C replaced by T.
Protein change: p.His341=; no amino-acid change (histidine 341 retained).
Molecular consequence: synonymous variant. On other transcripts: non-coding transcript variant (1).
Genome position (GRCh38, 1-based): chr6:39,909,914, G>A on the plus strand (C>T on the coding strand, the complement: MOCS1 is on the minus strand). VCF-style: chr6-39909914-G-A. GRCh37 (hg19) VCF-style: chr6-39877658-G-A.
Other names: c.1023C>T, p.His341= (NM_001075098.4, NM_001358529.2, NM_005943.6); c.762C>T, p.His254= (NM_001358531.2, NM_001358533.2, NM_001358534.2).
Identifiers: ClinVar variation 1576089 (VCV001576089.32), dbSNP rs372034477, ClinGen allele CA3796073.